The following is an entry in ClinVar:

NM_000038.6(APC):c.3501T>C (p.Asn1167=)

Gene: APC (APC regulator of Wnt signaling pathway; plus strand). Cytogenetic location: 5q22.2.
Variant type: single nucleotide variant.
Coding change: c.3501T>C on transcript NM_000038.6 (MANE Select); coding-DNA position 3501, T replaced by C.
Protein change: p.Asn1167=; no amino-acid change (asparagine 1167 retained).
Molecular consequence: synonymous variant.
Genome position (GRCh38, 1-based): chr5:112,839,095, T>C. VCF-style: chr5-112839095-T-C. GRCh37 (hg19) VCF-style: chr5-112174792-T-C.
Other names: c.3501T>C, p.Asn1167= (NM_001127510.3, NM_001354895.2); c.3447T>C, p.Asn1149= (NM_001127511.3); c.3555T>C, p.Asn1185= (NM_001354896.2); c.3531T>C, p.Asn1177= (NM_001354897.2); c.3426T>C, p.Asn1142= (NM_001354898.2); c.3417T>C, p.Asn1139= (NM_001354899.2); c.3378T>C, p.Asn1126= (NM_001354900.2); c.3324T>C, p.Asn1108= (NM_001354901.2); and 5 more.
Identifiers: ClinVar variation 629316 (VCV000629316.5), dbSNP rs1561585194, ClinGen allele CA445963532.

ClinVar aggregate classification (germline): Benign/Likely benign. Review status: criteria provided, multiple submitters, no conflicts (2 of 4 stars). 4 submissions from 4 submitters: Benign (1); Likely benign (3). Last evaluated 2025-10-07.

Conditions:
Hereditary cancer-predisposing syndrome. Also called: Neoplastic Syndromes, Hereditary; Tumor predisposition; Hereditary neoplastic syndrome; Hereditary Cancer Syndrome. Identifiers: Orphanet 140162, MedGen C0027672, MeSH D009386, MONDO:0015356.
Familial adenomatous polyposis 1 (FAP1). Also called: POLYPOSIS, ADENOMATOUS INTESTINAL; FAMILIAL ADENOMATOUS POLYPOSIS 1, ATTENUATED. Identifiers: MedGen C2713442, MONDO:0021056, OMIM 175100. Disease mechanism: loss of function.

Allele frequency attached by ClinVar (database versions not stated): gnomAD exomes below 0.00001.
gnomAD v4.1: 4 of 1,614,098 alleles (0.00025%); highest among the groups gnomAD compares: Non-Finnish European, 0.00034%; no homozygotes.

Submissions (4):

Labcorp Genetics (formerly Invitae), Labcorp
Classification: Likely benign for Familial adenomatous polyposis 1. Last evaluated: 2025-10-07. Review status: criteria provided, single submitter. Criteria: Invitae Variant Classification Sherloc (09022015). Collection method: clinical testing. Allele origin: germline.

Ambry Genetics
Classification: Likely benign for Hereditary cancer-predisposing syndrome. Last evaluated: 2024-06-08. Review status: criteria provided, single submitter. Criteria: Ambry Variant Classification Scheme 2023. Collection method: clinical testing. Allele origin: germline.

Myriad Genetics, Inc.
Classification: Benign for Familial adenomatous polyposis 1. Last evaluated: 2024-03-21. Review status: criteria provided, single submitter. Criteria: Myriad Autosomal Dominant, Autosomal Recessive and X-Linked Classification Criteria (2023). Collection method: clinical testing. Allele origin: unknown.
Comment: This variant is considered benign. This variant is a silent/synonymous amino acid change and it is not expected to impact splicing.

Color Diagnostics, LLC DBA Color Health
Classification: Likely benign for Hereditary cancer-predisposing syndrome. Last evaluated: 2018-09-26. Review status: criteria provided, single submitter. Criteria: ACMG Guidelines, 2015. Collection method: clinical testing. Allele origin: germline.